The following is an entry in ClinVar:

NM_000350.3(ABCA4):c.3898del (p.Arg1300fs)

Gene: ABCA4 (ATP binding cassette subfamily A member 4; minus strand). Cytogenetic location: 1p22.1.
Variant type: Deletion.
Coding change: c.3898del on transcript NM_000350.3 (MANE Select); coding-DNA position 3898, one base deleted (C; older notation c.3898delC).
Protein change: p.Arg1300fs; shifts the reading frame from arginine 1300.
Molecular consequence: frameshift variant.
Genome position (GRCh38, 1-based): chr1:94,032,008, G deleted on the plus strand (C on the coding strand, the reverse complement: ABCA4 is on the minus strand); the first of 5 consecutive G bases (chr1:94,032,008-94,032,012); deleting any one gives the same sequence. VCF-style (leftmost placement, unchanged base first): chr1-94032007-CG-C. GRCh37 (hg19) VCF-style: chr1-94497563-CG-C.
Other names: c.3898delC (NM_000350.3); c.3672delC, p.Arg1226Aspfs (NM_001425324.1); short protein forms R1300fs.
Identifiers: ClinVar variation 1803951 (VCV001803951.2), dbSNP rs1255149314, ClinGen allele CA2580063399.
Genomic context (GRCh38, chr1:94,032,007, plus strand): 5'-CAGACATTGGAGTCCTGGGGTGTCTGTCCAGCCTTCTCTCTGGGACCCAAGCAGGGGTGT[CG>C]GGGGTTGACGTTTTCTCTTTTCTGCTGAGCGCCACCTGTTTTGAGAGATTGAATTAATAA-3'

ClinVar aggregate classification (germline): Likely pathogenic. Review status: criteria provided, single submitter (1 of 4 stars). 2 submissions from 2 submitters: Likely pathogenic (1). 1 of the submissions does not count toward it. Last evaluated 2023-04-13.

Conditions:
ABCA4-related disorder. Also called: ABCA4-related condition; ABCA4-related disorders. Identifiers: MedGen CN239167.
Stargardt disease (FFM). Also called: Stargardt's disease; Fundus flavimaculatus. Identifiers: Orphanet 827, MedGen C0271093, MONDO:0019353.

Submissions (2):

Blueprint Genetics
Classification: Likely pathogenic for ABCA4-related disorders. Last evaluated: 2023-04-13. Review status: criteria provided, single submitter. Criteria: ACMG Guidelines, 2015. Collection method: clinical testing. Allele origin: germline. Affected: yes. Observed: 1 variant allele.

Ophthalmo-Genetics Lab, Instituto de Oftalmologia Conde de Valenciana
Classification: Pathogenic for Stargardt disease. Last evaluated: 2022-12-19. Review status: no assertion criteria provided. Collection method: research. Allele origin: biparental. Inheritance: Autosomal recessive inheritance. Affected: yes. Observed: 1 compound heterozygote. Not counted in ClinVar's aggregate classification.
Comment: PP4,PVS1,PM2 ACMG Criteria